The following is an entry in ClinVar:

ClinVar aggregate classification (germline): Uncertain significance (1 of 4 stars; one submission).

Conditions:
Microcephaly-intellectual disability-sensorineural hearing loss-epilepsy-abnormal muscle tone syndrome (NEDHSB). Also called: NEURODEVELOPMENTAL DISORDER WITH HEARING LOSS, SEIZURES, AND BRAIN ABNORMALITIES. Identifiers: Orphanet 457351, MedGen C4225276, MONDO:0014698, OMIM 616577.

Allele frequency attached by ClinVar (database versions not stated): gnomAD exomes below 0.00001; TOPMed below 0.00001.
gnomAD v4.1: 1 of 1,613,532 alleles (0.000062%); highest among the groups gnomAD compares: African/African-American, 0.0013%; no homozygotes.

Submission:

Labcorp Genetics (formerly Invitae), Labcorp
Classification: Uncertain significance for Microcephaly-intellectual disability-sensorineural hearing loss-epilepsy-abnormal muscle tone syndrome. Last evaluated: 2019-10-02. Review status: criteria provided, single submitter. Criteria: Invitae Variant Classification Sherloc (09022015). Collection method: clinical testing. Allele origin: germline.
Comment: Algorithms developed to predict the effect of missense changes on protein structure and function (SIFT, PolyPhen-2, Align-GVGD) all suggest that this variant is likely to be tolerated, but these predictions have not been confirmed by published functional studies and their clinical significance is uncertain. In summary, the available evidence is currently insufficient to determine the role of this variant in disease. Therefore, it has been classified as a Variant of Uncertain Significance. This variant has not been reported in the literature in individuals with SPATA5-related conditions. This variant is not present in population databases (ExAC no frequency). This sequence change replaces serine with proline at codon 625 of the SPATA5 protein (p.Ser625Pro). The serine residue is highly conserved and there is a moderate physicochemical difference between serine and proline.

NM_145207.3(AFG2A):c.1873T>C (p.Ser625Pro)

Gene: AFG2A (AAA ATPase AFG2A; plus strand). Cytogenetic location: 4q28.1.
Variant type: single nucleotide variant.
Coding change: c.1873T>C on transcript NM_145207.3 (MANE Select); coding-DNA position 1873, T replaced by C.
Protein change: p.Ser625Pro; replaces serine 625 with proline.
Molecular consequence: missense variant.
Genome position (GRCh38, 1-based): chr4:123,028,189, T>C. VCF-style: chr4-123028189-T-C. GRCh37 (hg19) VCF-style: chr4-123949344-T-C.
Other names: c.1870T>C, p.Ser624Pro (NM_001317799.2, NM_001345856.2); short protein forms S624P, S625P.
Identifiers: ClinVar variation 940925 (VCV000940925.6), dbSNP rs1221243310, ClinGen allele CA358102171.